The following is an entry in ClinVar:

ClinVar aggregate classification (germline): Likely benign (1 of 4 stars; one submission).

Submission:

Mayo Clinic Laboratories, Mayo Clinic
Classification: Likely benign. Last evaluated: 2025-04-25. Review status: criteria provided, single submitter. Criteria: ACMG Guidelines, 2015. Collection method: clinical testing. Allele origin: germline. Observed: 2 variant alleles.
Comment: BP4, BP7

NM_022834.5(VWA1):c.40C>A (p.Arg14=)

Gene: VWA1 (von Willebrand factor A domain containing 1; plus strand). Cytogenetic location: 1p36.33.
Variant type: single nucleotide variant.
Coding change: c.40C>A on transcript NM_022834.5 (MANE Select); coding-DNA position 40, C replaced by A.
Protein change: p.Arg14=; no amino-acid change (arginine 14 retained).
Molecular consequence: synonymous variant.
Genome position (GRCh38, 1-based): chr1:1,435,788, C>A. VCF-style: chr1-1435788-C-A. GRCh37 (hg19) VCF-style: chr1-1371168-C-A.
Other names: p.Arg14=; c.40C>A, p.Arg14= (NM_199121.3).
Identifiers: ClinVar variation 4684905 (VCV004684905.1).